The following is an entry in ClinVar:

ClinVar aggregate classification (germline): Conflicting classifications of pathogenicity. Review status: criteria provided, conflicting classifications (1 of 4 stars). 8 submissions from 8 submitters: Uncertain significance (7); Likely benign (1). Last evaluated 2025-12-01.

Conditions:
Pheochromocytoma. Also called: MAX-Related Hereditary Paraganglioma-Pheochromocytoma Syndrome. Identifiers: Orphanet 29072, MedGen C0031511, MONDO:0008233, OMIM 171300, HP:0002666.
Hirschsprung disease, susceptibility to, 1 (HSCR1). Also called: RET-Related Hirschsprung Disease. Identifiers: Orphanet 388, MedGen C3888239, MONDO:0007723, OMIM 142623.
Familial medullary thyroid carcinoma (MTC). Also called: Thyroid cancer, familial medullary; MTC, familial; Familial Medullary Thyroid Carcinoma (FMTC). Identifiers: Orphanet 653, Orphanet 99361, MedGen C1833921, MONDO:0007958, OMIM 155240.
Multiple endocrine neoplasia type 2B. Also called: WAGENMANN-FROBOESE SYNDROME; MULTIPLE ENDOCRINE NEOPLASIA, TYPE III; MEN 2B; MUCOSAL NEUROMA SYNDROME; MULTIPLE ENDOCRINE NEOPLASIA, TYPE IIB; MEN IIB. Identifiers: Orphanet 247709, Orphanet 653, MedGen C0025269, MeSH D018814, MONDO:0008082, OMIM 162300.
Multiple endocrine neoplasia type 2A. Also called: MULTIPLE ENDOCRINE NEOPLASIA, TYPE IIA; PTC SYNDROME; SIPPLE SYNDROME; MEN 2A; MEN-2A syndrome; Pheochromocytoma and amyloid producing medullary thyroid carcinoma. Identifiers: Orphanet 247698, Orphanet 653, MedGen C0025268, MeSH D018813, MONDO:0008234, OMIM 171400.
Familial hyperparathyroidism or Hypocalciuric hypercalcaemia.
Hereditary cancer-predisposing syndrome. Also called: Tumor predisposition; Hereditary neoplastic syndrome; Neoplastic Syndromes, Hereditary; Hereditary Cancer Syndrome. Identifiers: Orphanet 140162, MedGen C0027672, MeSH D009386, MONDO:0015356.
Multiple endocrine neoplasia, type 2 (MEN2). Identifiers: Orphanet 653, MedGen C4048306, MONDO:0019003. Disease mechanism: gain of function.

Allele frequency attached by ClinVar (database versions not stated): gnomAD exomes 0.00002 and 0.00005; TOPMed 0.00003; ExAC 0.00005; gnomAD 0.00006.
gnomAD v4.1: 86 of 1,614,124 alleles (0.0053%); highest among the groups gnomAD compares: Non-Finnish European, 0.0064%; no homozygotes.

Submissions (8):

Cambridge Genomics Laboratory, East Genomic Laboratory Hub, NHS Genomic Medicine Service
Classification: Uncertain significance for Familial hyperparathyroidism or Hypocalciuric hypercalcaemia. Last evaluated: 2025-12-01. Review status: criteria provided, single submitter. Criteria: ACGS Best Practice Guidelines for Variant Classification in Rare Disease 2020. Collection method: clinical testing. Allele origin: germline. Affected: yes.

Labcorp Genetics (formerly Invitae), Labcorp
Classification: Uncertain significance for Multiple endocrine neoplasia, type 2. Last evaluated: 2025-01-28. Review status: criteria provided, single submitter. Criteria: Invitae Variant Classification Sherloc (09022015). Collection method: clinical testing. Allele origin: germline.
Comment: This sequence change replaces serine, which is neutral and polar, with asparagine, which is neutral and polar, at codon 1002 of the RET protein (p.Ser1002Asn). This variant is present in population databases (rs763489828, gnomAD 0.005%). This variant has not been reported in the literature in individuals affected with RET-related conditions. ClinVar contains an entry for this variant (Variation ID: 241355). An algorithm developed to predict the effect of missense changes on protein structure and function (PolyPhen-2) suggests that this variant is likely to be disruptive. In summary, the available evidence is currently insufficient to determine the role of this variant in disease. Therefore, it has been classified as a Variant of Uncertain Significance.

Color Diagnostics, LLC DBA Color Health
Classification: Uncertain significance for Multiple endocrine neoplasia, type 2. Last evaluated: 2024-05-29. Review status: criteria provided, single submitter. Criteria: ACMG Guidelines, 2015. Collection method: clinical testing. Allele origin: germline.
Comment: This missense variant replaces serine with asparagine at codon 1002 of the RET protein. Computational prediction is inconclusive regarding the impact of this variant on protein structure and function. To our knowledge, functional studies have not been reported for this variant. This variant has been reported in an individual affected with breast cancer (PMID: 29684080). This variant has been identified in 6/251464 chromosomes in the general population by the Genome Aggregation Database (gnomAD). The available evidence is insufficient to determine the role of this variant in disease conclusively. Therefore, this variant is classified as a Variant of Uncertain Significance.

GeneDx
Classification: Uncertain significance. Last evaluated: 2024-03-27. Review status: criteria provided, single submitter. Criteria: GeneDx Variant Classification Process June 2021. Collection method: clinical testing. Allele origin: germline. Affected: yes.
Comment: In silico analysis supports that this missense variant does not alter protein structure/function; Identified in an individual with breast cancer (PMID: 29684080); This variant is associated with the following publications: (PMID: 36936415, 29641532, 29684080, 14633923)

Baylor Genetics
Classification: Uncertain significance for Hirschsprung disease, susceptibility to, 1. Last evaluated: 2023-12-21. Review status: criteria provided, single submitter. Criteria: ACMG Guidelines, 2015. Collection method: clinical testing. Allele origin: unknown.

Ambry Genetics
Classification: Likely benign for Hereditary cancer-predisposing syndrome. Last evaluated: 2023-03-28. Review status: criteria provided, single submitter. Criteria: Ambry Variant Classification Scheme 2023. Collection method: clinical testing. Allele origin: germline.

Fulgent Genetics
Classification: Uncertain significance for Hirschsprung disease, susceptibility to, 1; Familial medullary thyroid carcinoma; Multiple endocrine neoplasia type 2B; Pheochromocytoma; Multiple endocrine neoplasia type 2A. Last evaluated: 2022-03-03. Review status: criteria provided, single submitter. Criteria: ACMG Guidelines, 2015. Collection method: clinical testing. Allele origin: unknown.

Athena Diagnostics
Classification: Uncertain significance. Last evaluated: 2019-01-25. Review status: criteria provided, single submitter. Criteria: Athena Diagnostics Criteria. Collection method: clinical testing. Allele origin: germline.

Literature cited by the submitters: PubMed 29684080 (cited by Color Diagnostics, LLC DBA Color Health and Ambry Genetics).

NM_020975.6(RET):c.3005G>A (p.Ser1002Asn)

Gene: RET (ret proto-oncogene; plus strand). Cytogenetic location: 10q11.21.
Variant type: single nucleotide variant.
Coding change: c.3005G>A on transcript NM_020975.6 (MANE Select); coding-DNA position 3005, G replaced by A.
Protein change: p.Ser1002Asn; replaces serine 1002 with asparagine.
Molecular consequence: missense variant.
Genome position (GRCh38, 1-based): chr10:43,124,948, G>A. VCF-style: chr10-43124948-G-A. GRCh37 (hg19) VCF-style: chr10-43620396-G-A.
Other names: c.3005G>A, p.Ser1002Asn (NM_000323.2, NM_001406743.1, NM_001406744.1 and 4 more transcripts); c.2243G>A, p.Ser748Asn (NM_001355216.2); c.2876G>A, p.Ser959Asn (NM_001406761.1, NM_001406762.1, NM_001406764.1); c.2870G>A, p.Ser957Asn (NM_001406763.1, NM_001406765.1); c.2717G>A, p.Ser906Asn (NM_001406766.1, NM_001406767.1, NM_001406770.1); c.2741G>A, p.Ser914Asn (NM_001406768.1); c.2609G>A, p.Ser870Asn (NM_001406769.1, NM_001406772.1); c.2567G>A, p.Ser856Asn (NM_001406771.1, NM_001406773.1); and 10 more; short protein forms S1002N, S748N, S658N, S760N, S827N, S856N, S959N, S519N.
Identifiers: ClinVar variation 241355 (VCV000241355.24), dbSNP rs763489828, ClinGen allele CA041961.